The following is an entry in ClinVar:

NM_006623.4(PHGDH):c.290+3A>C

Gene: PHGDH (phosphoglycerate dehydrogenase; plus strand). Cytogenetic location: 1p12.
Variant type: single nucleotide variant.
Coding change: c.290+3A>C on transcript NM_006623.4 (MANE Select); 3 bases into the intron after coding-DNA position 290, A replaced by C.
Molecular consequence: intron variant.
Genome position (GRCh38, 1-based): chr1:119,721,324, A>C. VCF-style: chr1-119721324-A-C. GRCh37 (hg19) VCF-style: chr1-120263947-A-C.
Identifiers: ClinVar variation 1378424 (VCV001378424.6), dbSNP rs2101155326, ClinGen allele CA2573130990.

ClinVar aggregate classification (germline): Uncertain significance (1 of 4 stars; one submission).

Conditions:
PHGDH deficiency. Identifiers: Orphanet 79351, MedGen C1866174, MONDO:0011152, OMIM 601815.

Allele frequency attached by ClinVar (database versions not stated): gnomAD exomes below 0.00001.
gnomAD v4.1: 1 of 1,613,632 alleles (0.000062%); highest among the groups gnomAD compares: Non-Finnish European, 0.000085%; no homozygotes.

Submission:

Labcorp Genetics (formerly Invitae), Labcorp
Classification: Uncertain significance for PHGDH deficiency. Last evaluated: 2022-06-20. Review status: criteria provided, single submitter. Criteria: Invitae Variant Classification Sherloc (09022015). Collection method: clinical testing. Allele origin: germline.
Comment: In summary, the available evidence is currently insufficient to determine the role of this variant in disease. Therefore, it has been classified as a Variant of Uncertain Significance. Variants that disrupt the consensus splice site are a relatively common cause of aberrant splicing (PMID: 17576681, 9536098). Algorithms developed to predict the effect of sequence changes on RNA splicing suggest that this variant may create or strengthen a splice site. This variant has not been reported in the literature in individuals affected with PHGDH-related conditions. This variant is not present in population databases (gnomAD no frequency). This sequence change falls in intron 2 of the PHGDH gene. It does not directly change the encoded amino acid sequence of the PHGDH protein. It affects a nucleotide within the consensus splice site.

Literature cited by the submitters: PubMed 17576681; PubMed 9536098.